The following is an entry in ClinVar:

ClinVar aggregate classification (germline): Uncertain significance (1 of 4 stars; one submission).

Submission:

GeneDx
Classification: Uncertain significance. Last evaluated: 2023-12-29. Review status: criteria provided, single submitter. Criteria: GeneDx Variant Classification Process June 2021. Collection method: clinical testing. Allele origin: germline. Affected: yes.
Comment: Not observed at significant frequency in large population cohorts (gnomAD); In silico analysis supports that this missense variant does not alter protein structure/function; Has not been previously published as pathogenic or benign to our knowledge

NM_001110556.2(FLNA):c.7826T>C (p.Val2609Ala)

Genes: FLNA (filamin A; minus strand), LOC107988032 (Xq28 proximal FLNA-EMD recombination region; plus strand). Cytogenetic location: Xq28.
Variant type: single nucleotide variant.
Coding change: c.7826T>C on transcript NM_001110556.2 (MANE Select); coding-DNA position 7826, T replaced by C.
Protein change: p.Val2609Ala; replaces valine 2609 with alanine.
Molecular consequence: missense variant.
Genome position (GRCh38, 1-based): chrX:154,348,967, A>G on the plus strand (T>C on the coding strand, the complement: FLNA is on the minus strand). VCF-style: chrX-154348967-A-G. GRCh37 (hg19) VCF-style: chrX-153577335-A-G.
Other names: c.7802T>C, p.Val2601Ala (NM_001456.4); short protein forms V2601A, V2609A.
Identifiers: ClinVar variation 3367362 (VCV003367362.1).